The following is an entry in ClinVar:

NM_001370298.3(FGD4):c.1202A>T (p.His401Leu)

Gene: FGD4 (FYVE, RhoGEF and PH domain containing 4; plus strand). Cytogenetic location: 12p11.21.
Variant type: single nucleotide variant.
Coding change: c.1202A>T on transcript NM_001370298.3 (MANE Select); coding-DNA position 1202, A replaced by T.
Protein change: p.His401Leu; replaces histidine 401 with leucine.
Molecular consequence: missense variant. On other transcripts: 5 prime UTR variant (1).
Genome position (GRCh38, 1-based): chr12:32,601,378, A>T. VCF-style: chr12-32601378-A-T. GRCh37 (hg19) VCF-style: chr12-32754312-A-T.
Other names: c.1046A>T, p.His349Leu (NM_001304481.2); c.47A>T, p.His16Leu (NM_001304483.2); c.-261A>T (NM_001304484.2); c.512A>T, p.His171Leu (NM_001330373.2, NM_001330374.2, NM_001384130.1); c.239A>T, p.His80Leu (NM_001370297.1); c.1202A>T, p.His401Leu (NM_001384126.1); c.791A>T, p.His264Leu (NM_001384127.1, NM_001384128.1, NM_001385118.1 and 1 more transcripts); short protein forms H349L, H80L, H16L, H401L, H264L, H171L.
Identifiers: ClinVar variation 1480916 (VCV001480916.6), dbSNP rs2136650004, ClinGen allele CA384358215.

ClinVar aggregate classification (germline): Uncertain significance (1 of 4 stars; one submission).

Conditions:
Charcot-Marie-Tooth disease type 4. Also called: Charcot-Marie-Tooth disease, type IV; Charcot-Marie-Tooth, Type 4. Identifiers: Orphanet 64749, MedGen C4082197, MONDO:0018995.

Allele frequency attached by ClinVar (database versions not stated): gnomAD exomes below 0.00001.
gnomAD v4.1: 1 of 1,614,166 alleles (0.000062%); highest among the groups gnomAD compares: Non-Finnish European, 0.000085%; no homozygotes.

Submission:

Labcorp Genetics (formerly Invitae), Labcorp
Classification: Uncertain significance for Charcot-Marie-Tooth disease type 4. Last evaluated: 2023-07-17. Review status: criteria provided, single submitter. Criteria: Invitae Variant Classification Sherloc (09022015). Collection method: clinical testing. Allele origin: germline.
Comment: This sequence change replaces histidine, which is basic and polar, with leucine, which is neutral and non-polar, at codon 264 of the FGD4 protein (p.His264Leu). This variant is not present in population databases (gnomAD no frequency). This variant has not been reported in the literature in individuals affected with FGD4-related conditions. ClinVar contains an entry for this variant (Variation ID: 1480916). Advanced modeling of protein sequence and biophysical properties (such as structural, functional, and spatial information, amino acid conservation, physicochemical variation, residue mobility, and thermodynamic stability) performed at Invitae indicates that this missense variant is expected to disrupt FGD4 protein function. In summary, the available evidence is currently insufficient to determine the role of this variant in disease. Therefore, it has been classified as a Variant of Uncertain Significance.